The following is an entry in ClinVar:

ClinVar aggregate classification (germline): Benign/Likely benign. Review status: criteria provided, multiple submitters, no conflicts (2 of 4 stars). 2 submissions from 2 submitters: Benign (1); Likely benign (1). Last evaluated 2025-12-29.

Conditions:
Renal cell carcinoma. Identifiers: Orphanet 217071, MedGen C0007134, MeSH D002292, MONDO:0005086, HP:0005584.
Papillary renal cell carcinoma type 1 (RCCP1). Also called: Renal adenocarcinoma; Renal cell carcinoma 1; Renal cell carcinoma, somatic; RENAL CELL CARCINOMA, PAPILLARY, 1, SOMATIC. Identifiers: Orphanet 47044, MedGen C1336839, OMIM 605074, HP:0011797.

Allele frequency attached by ClinVar (database versions not stated): gnomAD exomes below 0.00001.

Submissions (2):

Labcorp Genetics (formerly Invitae), Labcorp
Classification: Likely benign for Renal cell carcinoma. Last evaluated: 2025-12-29. Review status: criteria provided, single submitter. Criteria: Invitae Variant Classification Sherloc (09022015). Collection method: clinical testing. Allele origin: germline.

Myriad Genetics, Inc.
Classification: Benign for Papillary renal cell carcinoma type 1. Last evaluated: 2024-11-08. Review status: criteria provided, single submitter. Criteria: Myriad Autosomal Dominant, Autosomal Recessive and X-Linked Classification Criteria (2023). Collection method: clinical testing. Allele origin: unknown.
Comment: This variant is considered benign. This variant is a silent/synonymous amino acid change and it is not expected to impact splicing.

NM_000245.4(MET):c.1869A>G (p.Lys623=)

Gene: MET (MET proto-oncogene, receptor tyrosine kinase; plus strand). Cytogenetic location: 7q31.2.
Variant type: single nucleotide variant.
Coding change: c.1869A>G on transcript NM_000245.4 (MANE Select); coding-DNA position 1869, A replaced by G.
Protein change: p.Lys623=; no amino-acid change (lysine 623 retained).
Molecular consequence: synonymous variant.
Genome position (GRCh38, 1-based): chr7:116,757,443, A>G. VCF-style: chr7-116757443-A-G. GRCh37 (hg19) VCF-style: chr7-116397497-A-G.
Other names: c.1869A>G, p.Lys623= (NM_001127500.3, NM_001324401.3); c.579A>G, p.Lys193= (NM_001324402.2).
Identifiers: ClinVar variation 2080167 (VCV002080167.5), dbSNP rs2485710565, ClinGen allele CA457216391.